The following is an entry in ClinVar:

ClinVar aggregate classification (germline): Uncertain significance (1 of 4 stars; one submission).

Conditions:
Arrhythmogenic right ventricular cardiomyopathy (ARVD). Also called: Arrhythmogenic right ventricular dysplasia; Cardiomyopathy, ARVC; Arrhythmogenic cardiomyopathy; Arrhythmogenic Right Ventricular Cardiomyopathy (ARVC). Identifiers: Orphanet 247, MedGen C0349788, MeSH D019571, MONDO:0016587. Disease mechanism: loss of function. Inheritance: Various modes of inheritance.

Submission:

All of Us Research Program, National Institutes of Health
Classification: Uncertain significance for Arrhythmogenic right ventricular cardiomyopathy. Last evaluated: 2023-11-02. Review status: criteria provided, single submitter. Criteria: ACMG Guidelines, 2015. Collection method: clinical testing. Allele origin: germline. Inheritance: Autosomal dominant inheritance. Observed: 1 variant allele, 1 heterozygote.
Comment: This missense variant replaces arginine with lysine at codon 171 of the PKP2 protein. Computational prediction suggests that this variant may not impact protein structure and function (internally defined REVEL score threshold <= 0.5, PMID: 27666373). To our knowledge, functional studies have not been reported for this variant. This variant has not been reported in individuals affected with PKP2-related disorders in the literature. This variant has not been identified in the general population by the Genome Aggregation Database (gnomAD). The available evidence is insufficient to determine the role of this variant in disease conclusively. Therefore, this variant is classified as a Variant of Uncertain Significance.

This study involves interpretation of variants in research participants for the purpose of population health screening. Participant phenotype was not available at the time of variant classification. Additional details can be found in publication PMID: 35346344, PMCID: PMC8962531

NM_001005242.3(PKP2):c.512G>A (p.Arg171Lys)

Gene: PKP2 (plakophilin 2; minus strand). Cytogenetic location: 12p11.21.
Variant type: single nucleotide variant.
Coding change: c.512G>A on transcript NM_001005242.3 (MANE Select); coding-DNA position 512, G replaced by A.
Protein change: p.Arg171Lys; replaces arginine 171 with lysine.
Molecular consequence: missense variant.
Genome position (GRCh38, 1-based): chr12:32,878,368, C>T on the plus strand (G>A on the coding strand, the complement: PKP2 is on the minus strand). VCF-style: chr12-32878368-C-T. GRCh37 (hg19) VCF-style: chr12-33031302-C-T.
Other names: c.512G>A, p.Arg171Lys (NM_001407155.1, NM_001407156.1, NM_001407157.1 and 2 more transcripts); c.185G>A, p.Arg62Lys (NM_001407158.1, NM_001407159.1, NM_001407160.1 and 1 more transcripts); short protein forms R171K, R62K.
Identifiers: ClinVar variation 3074363 (VCV003074363.1), dbSNP rs2541341631, ClinGen allele CA384364813.